The following is an entry in ClinVar:

NM_001291303.3(FAT4):c.2450C>T (p.Ala817Val)

Gene: FAT4 (FAT atypical cadherin 4; plus strand). Cytogenetic location: 4q28.1.
Variant type: single nucleotide variant.
Coding change: c.2450C>T on transcript NM_001291303.3 (MANE Select); coding-DNA position 2450, C replaced by T.
Protein change: p.Ala817Val; replaces alanine 817 with valine.
Molecular consequence: missense variant.
Genome position (GRCh38, 1-based): chr4:125,318,861, C>T. VCF-style: chr4-125318861-C-T. GRCh37 (hg19) VCF-style: chr4-126240016-C-T.
Other names: c.2450C>T, p.Ala817Val (NM_001291285.3, NM_024582.6); c.2450C>T (NM_024582.4); short protein forms A817V.
Identifiers: ClinVar variation 1165156 (VCV001165156.12), dbSNP rs539442232, ClinGen allele CA3072171.
Genomic context (GRCh38, chr4:125,318,861, plus strand): 5'-CCTACAGCTTTGTGGTTTTTGAGAACGTGGCGCTGGGATATCATGTGGGTAGTGTGTCTG[C>T]ATCCACCATGGATCTCAATTCCAACATCAGTTATCTCATTACTACTGGGGATCAGAAAGG-3'
Protein context (NP_001278232.1, residues 807-827): ALGYHVGSVS[Ala817Val]STMDLNSNIS

ClinVar aggregate classification (germline): Benign/Likely benign. Review status: criteria provided, multiple submitters, no conflicts (2 of 4 stars). 3 submissions from 3 submitters: Benign (1); Likely benign (1). 1 of the submissions does not count toward it. Last evaluated 2026-01-31.

Conditions:
FAT4-related disorder. Also called: FAT4-related condition.
Inborn genetic diseases. Identifiers: MedGen C0950123, MeSH D030342.

Allele frequency attached by ClinVar (database versions not stated): TOPMed below 0.00001; gnomAD 0.00001 and 0.00006; gnomAD exomes 0.00011 and 0.00026; ExAC 0.00027; 1000 Genomes Project 0.00040; 1000 Genomes Project 30x 0.00047.
gnomAD v4.1: 164 of 1,614,158 alleles (0.01%); highest among the groups gnomAD compares: South Asian, 0.17%; no homozygotes.

Submissions (3):

Labcorp Genetics (formerly Invitae), Labcorp
Classification: Benign. Last evaluated: 2026-01-31. Review status: criteria provided, single submitter. Criteria: Invitae Variant Classification Sherloc (09022015). Collection method: clinical testing. Allele origin: germline.

Ambry Genetics
Classification: Likely benign for Inborn genetic diseases. Last evaluated: 2021-09-01. Review status: criteria provided, single submitter. Criteria: Ambry Variant Classification Scheme 2023. Collection method: clinical testing. Allele origin: germline.

PreventionGenetics, part of Exact Sciences
Classification: Likely benign for FAT4-related condition. Last evaluated: 2022-03-02. Review status: no assertion criteria provided. Collection method: clinical testing. Allele origin: germline. Not counted in ClinVar's aggregate classification.
Comment: This variant is classified as likely benign based on ACMG/AMP sequence variant interpretation guidelines (Richards et al. 2015 PMID: 25741868, with internal and published modifications).